The following is an entry in ClinVar:

ClinVar aggregate classification (germline): Uncertain significance (1 of 4 stars; one submission).

gnomAD v4.1: 5 of 1,613,938 alleles (0.00031%); highest among the groups gnomAD compares: South Asian, 0.0055%; no homozygotes.

Submission:

GeneDx
Classification: Uncertain significance. Last evaluated: 2023-12-05. Review status: criteria provided, single submitter. Criteria: GeneDx Variant Classification Process June 2021. Collection method: clinical testing. Allele origin: germline. Affected: yes.
Comment: Not observed at significant frequency in large population cohorts (gnomAD); Missense variant in a gene in which most reported pathogenic variants are truncating/loss of function; Has not been previously published as pathogenic or benign to our knowledge

NM_001267550.2(TTN):c.87566C>T (p.Ser29189Phe)

Genes: TTN (titin; minus strand), TTN-AS1 (TTN antisense RNA 1; plus strand). Cytogenetic location: 2q31.2.
Variant type: single nucleotide variant.
Coding change: c.87566C>T on transcript NM_001267550.2 (MANE Select); coding-DNA position 87566, C replaced by T.
Protein change: p.Ser29189Phe; replaces serine 29189 with phenylalanine.
Molecular consequence: missense variant.
Genome position (GRCh38, 1-based): chr2:178,557,788, G>A on the plus strand (C>T on the coding strand, the complement: TTN is on the minus strand). VCF-style: chr2-178557788-G-A. GRCh37 (hg19) VCF-style: chr2-179422515-G-A.
Other names: c.82643C>T, p.Ser27548Phe (NM_001256850.1); c.60371C>T, p.Ser20124Phe (NM_003319.4); c.79862C>T, p.Ser26621Phe (NM_133378.4); c.60746C>T, p.Ser20249Phe (NM_133432.3); c.60947C>T, p.Ser20316Phe (NM_133437.4); short protein forms S20124F, S20249F, S20316F, S26621F, S27548F, S29189F.
Identifiers: ClinVar variation 3365281 (VCV003365281.1).
Genomic context (GRCh38, chr2:178,557,788, plus strand): 5'-TGGTATTCTTCTCCTGTGGTCAGTTTCATGACTTTCATCATGGTTCTTGCAACTGTTGCA[G>A]ACACTTCAGTCCACACTGCAGTACTTGTTTCTCTTTTGAGTAGAATGTAGTTGGTAACTT-3'
Protein context (NP_001254479.2, residues 29179-29199): ETSTAVWTEV[Ser29189Phe]ATVARTMMKV